The following is an entry in ClinVar:

NM_020738.4(KIDINS220):c.1482C>G (p.Leu494=)

Gene: KIDINS220 (kinase D interacting substrate 220; minus strand). Cytogenetic location: 2p25.1.
Variant type: single nucleotide variant.
Coding change: c.1482C>G on transcript NM_020738.4 (MANE Select); coding-DNA position 1482, C replaced by G.
Protein change: p.Leu494=; no amino-acid change (leucine 494 retained).
Molecular consequence: synonymous variant. On other transcripts: non-coding transcript variant (2).
Genome position (GRCh38, 1-based): chr2:8,790,019, G>C on the plus strand (C>G on the coding strand, the complement: KIDINS220 is on the minus strand). VCF-style: chr2-8790019-G-C. GRCh37 (hg19) VCF-style: chr2-8930149-G-C.
Other names: c.1485C>G, p.Leu495= (NM_001348729.2, NM_001348731.2, NM_001348734.2 and 3 more transcripts); c.1482C>G, p.Leu494= (NM_001348732.2, NM_001348735.2, NM_001348738.2 and 3 more transcripts); c.1356C>G, p.Leu452= (NM_001348736.2).
Identifiers: ClinVar variation 3346413 (VCV003346413.1).

ClinVar aggregate classification (germline): Likely benign (0 of 4 stars; one submission).

Conditions:
KIDINS220-related disorder. Also called: KIDINS220-related condition.

gnomAD v4.1: 1 of 1,608,294 alleles (0.000062%); highest among the groups gnomAD compares: Non-Finnish European, 0.000085%; no homozygotes.

Submission:

PreventionGenetics, part of Exact Sciences
Classification: Likely benign for KIDINS220-related condition. Last evaluated: 2024-04-13. Review status: no assertion criteria provided. Collection method: clinical testing. Allele origin: germline.
Comment: This variant is classified as likely benign based on ACMG/AMP sequence variant interpretation guidelines (Richards et al. 2015 PMID: 25741868, with internal and published modifications).